The following is an entry in ClinVar:

ClinVar aggregate classification (germline): Uncertain significance (1 of 4 stars; one submission).

Submission:

GeneDx
Classification: Uncertain significance. Last evaluated: 2023-03-27. Review status: criteria provided, single submitter. Criteria: GeneDx Variant Classification Process June 2021. Collection method: clinical testing. Allele origin: germline. Affected: yes.
Comment: Not observed at significant frequency in large population cohorts (gnomAD); In silico analysis supports that this missense variant has a deleterious effect on protein structure/function; Missense variants in this gene are often considered pathogenic (HGMD); This substitution is predicted to be in the cytoplasmic loop between the second and third homologous domains; Has not been previously published as pathogenic or benign to our knowledge

NM_001040142.2(SCN2A):c.3305C>T (p.Thr1102Ile)

Gene: SCN2A (sodium voltage-gated channel alpha subunit 2; plus strand). Cytogenetic location: 2q24.3.
Variant type: single nucleotide variant.
Coding change: c.3305C>T on transcript NM_001040142.2 (MANE Select); coding-DNA position 3305, C replaced by T.
Protein change: p.Thr1102Ile; replaces threonine 1102 with isoleucine.
Molecular consequence: missense variant.
Genome position (GRCh38, 1-based): chr2:165,354,577, C>T. VCF-style: chr2-165354577-C-T. GRCh37 (hg19) VCF-style: chr2-166211087-C-T.
Other names: c.3305C>T, p.Thr1102Ile (NM_001040143.2, NM_001371246.1, NM_001371247.1 and 1 more transcripts); short protein forms T1102I.
Identifiers: ClinVar variation 2582011 (VCV002582011.1), dbSNP rs2468036678, ClinGen allele CA349021808.